The following is an entry in ClinVar:

NM_014339.7(IL17RA):c.1928GAG[1] (p.Gly644del)

Gene: IL17RA (interleukin 17 receptor A; plus strand). Cytogenetic location: 22q11.1.
Variant type: Microsatellite.
Coding change: c.1928GAG[1] on transcript NM_014339.7 (MANE Select); one copy of the 3-base unit GAG starting at c.1928; the reference has two copies in a row; one copy, 3 bases deleted.
Protein change: p.Gly644del; deletes glycine 644.
Molecular consequence: inframe deletion.
Genome position (GRCh38, 1-based): chr22:17,109,150-17,109,152, GAG deleted; deleting any 3 consecutive bases within chr22:17,109,145-17,109,152 gives the same sequence; the position shown is the placement nearest the transcript's 3' end. VCF-style (leftmost placement, unchanged base first): chr22-17109144-AAGG-A. GRCh37 (hg19) VCF-style: chr22-17590034-AAGG-A.
Other names: c.1826GAG[1], p.Gly610del (NM_001289905.2); short protein forms G610del, G644del.
Identifiers: ClinVar variation 4703576 (VCV004703576.1).

ClinVar aggregate classification (germline): Uncertain significance (1 of 4 stars; one submission).

Conditions:
Immunodeficiency 51 (IMD51). Also called: CANDIDIASIS, FAMILIAL, 5. Identifiers: Orphanet 1334, MedGen C4310803, MONDO:0013500, OMIM 613953.

Submission:

Labcorp Genetics (formerly Invitae), Labcorp
Classification: Uncertain significance for Immunodeficiency 51. Last evaluated: 2025-06-04. Review status: criteria provided, single submitter. Criteria: Invitae Variant Classification Sherloc (09022015). Collection method: clinical testing. Allele origin: germline.
Comment: This variant, c.1931_1933del, results in the deletion of 1 amino acid(s) of the IL17RA protein (p.Gly644del), but otherwise preserves the integrity of the reading frame. This variant is present in population databases (no rsID available, gnomAD 0.02%). This variant has not been reported in the literature in individuals affected with IL17RA-related conditions. Experimental studies and prediction algorithms are not available or were not evaluated, and the functional significance of this variant is currently unknown. In summary, the available evidence is currently insufficient to determine the role of this variant in disease. Therefore, it has been classified as a Variant of Uncertain Significance.